The following is an entry in ClinVar:

NM_001017995.3(SH3PXD2B):c.1514C>T (p.Ser505Leu)

Gene: SH3PXD2B (SH3 and PX domains 2B; minus strand). Cytogenetic location: 5q35.1.
Variant type: single nucleotide variant.
Coding change: c.1514C>T on transcript NM_001017995.3 (MANE Select); coding-DNA position 1514, C replaced by T.
Protein change: p.Ser505Leu; replaces serine 505 with leucine.
Molecular consequence: missense variant. On other transcripts: intron variant (1).
Genome position (GRCh38, 1-based): chr5:172,339,591, G>A on the plus strand (C>T on the coding strand, the complement: SH3PXD2B is on the minus strand). VCF-style: chr5-172339591-G-A. GRCh37 (hg19) VCF-style: chr5-171766595-G-A.
Other names: c.1188+6545C>T (NM_001308175.2); short protein forms S505L.
Identifiers: ClinVar variation 2595473 (VCV002595473.4), dbSNP rs146888830, ClinGen allele CA3561166.
Genomic context (GRCh38, chr5:172,339,591, plus strand): 5'-CGCGGAGGGAGGCTGGGCTTCTCCTCCATGTCGGGGTCTGAGATCTCCTCGTAGCCTGCT[G>A]ACGCAGACATGTCTGAAGATGCCTTCCTCAGGACATCCTTACTGCCCTTCCAGTCTTTAG-3'
Protein context (NP_001017995.1, residues 495-515): LRKASSDMSA[Ser505Leu]AGYEEISDPD

ClinVar aggregate classification (germline): Uncertain significance. Review status: criteria provided, multiple submitters, no conflicts (2 of 4 stars). 2 submissions from 2 submitters: Uncertain significance (2). Last evaluated 2024-04-11.

Conditions:
Inborn genetic diseases. Identifiers: MedGen C0950123, MeSH D030342.

gnomAD v4.1: 12 of 1,614,236 alleles (0.00074%); highest among the groups gnomAD compares: Admixed American, 0.005%; no homozygotes.

Submissions (2):

Labcorp Genetics (formerly Invitae), Labcorp
Classification: Uncertain significance. Last evaluated: 2024-04-11. Review status: criteria provided, single submitter. Criteria: Invitae Variant Classification Sherloc (09022015). Collection method: clinical testing. Allele origin: germline.
Comment: This sequence change replaces serine, which is neutral and polar, with leucine, which is neutral and non-polar, at codon 505 of the SH3PXD2B protein (p.Ser505Leu). This variant is present in population databases (rs146888830, gnomAD 0.009%). This variant has not been reported in the literature in individuals affected with SH3PXD2B-related conditions. ClinVar contains an entry for this variant (Variation ID: 2595473). An algorithm developed to predict the effect of missense changes on protein structure and function (PolyPhen-2) suggests that this variant¬¨‚Ä†is likely to be tolerated. In summary, the available evidence is currently insufficient to determine the role of this variant in disease. Therefore, it has been classified as a Variant of Uncertain Significance.

Ambry Genetics
Classification: Uncertain significance for Inborn genetic diseases. Last evaluated: 2023-06-22. Review status: criteria provided, single submitter. Criteria: Ambry Variant Classification Scheme 2023. Collection method: clinical testing. Allele origin: germline.